The following is an entry in ClinVar:

ClinVar aggregate classification (germline): Uncertain significance. Review status: criteria provided, multiple submitters, no conflicts (2 of 4 stars). 2 submissions from 2 submitters: Uncertain significance (2). Last evaluated 2023-04-22.

Conditions:
Inborn genetic diseases. Identifiers: MedGen C0950123, MeSH D030342.
Aortic valve disease 2 (AOVD2). Identifiers: MedGen C3542024, MONDO:0013902, OMIM 614823.

Allele frequency attached by ClinVar (database versions not stated): ExAC 0.00001; gnomAD 0.00001; TOPMed 0.00003.
gnomAD v4.1: 38 of 1,607,718 alleles (0.0024%); highest among the groups gnomAD compares: Non-Finnish European, 0.0028%; no homozygotes.

Submissions (2):

Labcorp Genetics (formerly Invitae), Labcorp
Classification: Uncertain significance for Aortic valve disease 2. Last evaluated: 2023-04-22. Review status: criteria provided, single submitter. Criteria: Invitae Variant Classification Sherloc (09022015). Collection method: clinical testing. Allele origin: germline.
Comment: In summary, the available evidence is currently insufficient to determine the role of this variant in disease. Therefore, it has been classified as a Variant of Uncertain Significance. Advanced modeling of protein sequence and biophysical properties (such as structural, functional, and spatial information, amino acid conservation, physicochemical variation, residue mobility, and thermodynamic stability) performed at Invitae indicates that this missense variant is not expected to disrupt SMAD6 protein function. ClinVar contains an entry for this variant (Variation ID: 1728885). This variant has not been reported in the literature in individuals affected with SMAD6-related conditions. This variant is present in population databases (rs751622656, gnomAD 0.007%). This sequence change replaces glutamic acid, which is acidic and polar, with lysine, which is basic and polar, at codon 378 of the SMAD6 protein (p.Glu378Lys).

Ambry Genetics
Classification: Uncertain significance for Inborn genetic diseases. Last evaluated: 2022-09-28. Review status: criteria provided, single submitter. Criteria: Ambry Variant Classification Scheme 2023. Collection method: clinical testing. Allele origin: germline.
Comment: The p.E378K variant (also known as c.1132G>A), located in coding exon 4 of the SMAD6 gene, results from a G to A substitution at nucleotide position 1132. The glutamic acid at codon 378 is replaced by lysine, an amino acid with similar properties. This amino acid position is conserved. In addition, the in silico prediction for this alteration is inconclusive. Since supporting evidence is limited at this time, the clinical significance of this alteration remains unclear.

NM_005585.5(SMAD6):c.1132G>A (p.Glu378Lys)

Gene: SMAD6 (SMAD family member 6; plus strand). Cytogenetic location: 15q22.31.
Variant type: single nucleotide variant.
Coding change: c.1132G>A on transcript NM_005585.5 (MANE Select); coding-DNA position 1132, G replaced by A.
Protein change: p.Glu378Lys; replaces glutamic acid 378 with lysine.
Molecular consequence: missense variant. On other transcripts: non-coding transcript variant (1).
Genome position (GRCh38, 1-based): chr15:66,781,176, G>A. VCF-style: chr15-66781176-G-A. GRCh37 (hg19) VCF-style: chr15-67073514-G-A.
Other names: short protein forms E378K.
Identifiers: ClinVar variation 1728885 (VCV001728885.5), dbSNP rs751622656, ClinGen allele CA7626733.
Genomic context (GRCh38, chr15:66,781,176, plus strand): 5'-TACGACCTACCTCAGGGCAGCGGCTTCTGCCTGGGCCAGCTCAACCTGGAGCAGCGCAGC[G>A]AGTCGGTGCGGCGAACGCGCAGCAAGATCGGCTTCGGCATCCTGCTCAGCAAGGAGCCCG-3'
Protein context (NP_005576.3, residues 368-388): LGQLNLEQRS[Glu378Lys]SVRRTRSKIG